The following is an entry in ClinVar:

ClinVar aggregate classification (germline): Uncertain significance (1 of 4 stars; one submission).

gnomAD v4.1: 14 of 1,614,050 alleles (0.00087%); highest among the groups gnomAD compares: Non-Finnish European, 0.0012%; no homozygotes.

Submission:

Labcorp Genetics (formerly Invitae), Labcorp
Classification: Uncertain significance. Last evaluated: 2025-10-29. Review status: criteria provided, single submitter. Criteria: Invitae Variant Classification Sherloc (09022015). Collection method: clinical testing. Allele origin: germline.
Comment: This sequence change replaces arginine, which is basic and polar, with lysine, which is basic and polar, at codon 375 of the TNNI3K protein (p.Arg375Lys). This variant is present in population databases (rs780678978, gnomAD 0.007%). This variant has not been reported in the literature in individuals affected with TNNI3K-related conditions. Invitae Evidence Modeling of protein sequence and biophysical properties (such as structural, functional, and spatial information, amino acid conservation, physicochemical variation, residue mobility, and thermodynamic stability) indicates that this missense variant is not expected to disrupt TNNI3K protein function with a negative predictive value of 80%. In summary, the available evidence is currently insufficient to determine the role of this variant in disease. Therefore, it has been classified as a Variant of Uncertain Significance.

NM_015978.3(TNNI3K):c.1124G>A (p.Arg375Lys)

Genes: FPGT-TNNI3K (FPGT-TNNI3K readthrough; plus strand), TNNI3K (TNNI3 interacting kinase; plus strand). Cytogenetic location: 1p31.1.
Variant type: single nucleotide variant.
Coding change: c.1124G>A on transcript NM_015978.3 (MANE Select); coding-DNA position 1124, G replaced by A.
Protein change: p.Arg375Lys; replaces arginine 375 with lysine.
Molecular consequence: missense variant.
Genome position (GRCh38, 1-based): chr1:74,354,076, G>A. VCF-style: chr1-74354076-G-A. GRCh37 (hg19) VCF-style: chr1-74819760-G-A.
Other names: c.1427G>A, p.Arg476Lys (NM_001112808.3, NM_001199327.2); short protein forms R476K, R375K.
Identifiers: ClinVar variation 4760818 (VCV004760818.1).